The following is an entry in ClinVar:

NM_000051.4(ATM):c.3614G>A (p.Arg1205His)

Gene: ATM (ATM serine/threonine kinase; plus strand). Cytogenetic location: 11q22.3.
Variant type: single nucleotide variant.
Coding change: c.3614G>A on transcript NM_000051.4 (MANE Select); coding-DNA position 3614, G replaced by A.
Protein change: p.Arg1205His; replaces arginine 1205 with histidine.
Molecular consequence: missense variant.
Genome position (GRCh38, 1-based): chr11:108,282,747, G>A. VCF-style: chr11-108282747-G-A. GRCh37 (hg19) VCF-style: chr11-108153474-G-A.
Other names: c.3614G>A, p.Arg1205His (NM_001351834.2); short protein forms R1205H.
Identifiers: ClinVar variation 236707 (VCV000236707.31), dbSNP rs769106895, ClinGen allele CA6265325.

ClinVar aggregate classification (germline): Conflicting classifications of pathogenicity. Review status: criteria provided, conflicting classifications (1 of 4 stars). 11 submissions from 11 submitters: Uncertain significance (9); Likely benign (2). Last evaluated 2026-08-18.

Conditions:
ATM-related disorder. Also called: ATM-related disorders; ATM-related condition.
Familial cancer of breast. Also called: BREAST CANCER, FAMILIAL; Hereditary breast cancer; hereditary breast carcinoma. Identifiers: Orphanet 227535, MedGen C0346153, MONDO:0016419, OMIM 114480. Disease mechanism: loss of function.
Ataxia-telangiectasia syndrome (AT). Also called: LOUIS-BAR SYNDROME; Ataxia-telangiectasia, complementation group D; AT, COMPLEMENTATION GROUP C; Ataxia telangiectasia (A-T); ATAXIA-TELANGIECTASIA, COMPLEMENTATION GROUP A; ATAXIA-TELANGIECTASIA, FRESNO VARIANT. Identifiers: Orphanet 100, MedGen C0004135, MONDO:0008840, OMIM 208900.
Hereditary cancer-predisposing syndrome. Also called: Neoplastic Syndromes, Hereditary; Hereditary neoplastic syndrome; Hereditary Cancer Syndrome; Tumor predisposition. Identifiers: Orphanet 140162, MedGen C0027672, MeSH D009386, MONDO:0015356.
Hereditary breast ovarian cancer syndrome. Also called: Hereditary breast and ovarian cancer syndrome; Hereditary breast and/or ovarian cancer syndrome; BRCA1- and BRCA2-Associated Hereditary Breast and Ovarian Cancer; Breast and ovarian cancer; Hereditary breast and ovarian cancer syndrome (HBOC); Hereditary breast and ovarian cancer. Identifiers: Orphanet 145, MedGen C0677776, MeSH D061325, MONDO:0003582. Disease mechanism: loss of function.

Allele frequency attached by ClinVar (database versions not stated): ExAC 0.00001; gnomAD exomes 0.00001; TOPMed 0.00003; gnomAD 0.00005 and 0.00006.
gnomAD v4.1: 21 of 1,613,196 alleles (0.0013%); highest among the groups gnomAD compares: African/African-American, 0.015%; no homozygotes.

Submissions (11):

PreventionGenetics, part of Exact Sciences
Classification: Uncertain significance for ATM-related condition. Last evaluated: 2026-08-18. Review status: criteria provided, single submitter. Criteria: ACMG Guidelines, 2015. Collection method: clinical testing. Allele origin: germline.
Comment: The ATM c.3614G>A variant is predicted to result in the amino acid substitution p.Arg1205His. This variant has been reported in cancer cohorts with breast cancer, biliary tract cancer, and hereditary cancer not specified (Supplemental data 1, Momozawa et al. 2018. PubMed ID: 30287823; Table S2, Okawa et al. 2023. PubMed ID: 36243179; Table S5, Tsaousis et al. 2019. PubMed ID: 31159747). This variant is reported in 0.012% of alleles in individuals of African descent in gnomAD. In ClinVar, this variant has conflicting interpretations of uncertain significance and likely benign (Variation ID: 236707). At this time, the clinical significance of this variant is uncertain due to the absence of conclusive functional and genetic evidence.

Labcorp Genetics (formerly Invitae), Labcorp
Classification: Uncertain significance for Ataxia-telangiectasia syndrome. Last evaluated: 2025-05-06. Review status: criteria provided, single submitter. Criteria: Invitae Variant Classification Sherloc (09022015). Collection method: clinical testing. Allele origin: germline.
Comment: This sequence change replaces arginine, which is basic and polar, with histidine, which is basic and polar, at codon 1205 of the ATM protein (p.Arg1205His). This variant is present in population databases (rs769106895, gnomAD 0.01%). This missense change has been observed in individual(s) with breast and/or ovarian cancer (PMID: 30287823, 31159747). ClinVar contains an entry for this variant (Variation ID: 236707). Invitae Evidence Modeling of protein sequence and biophysical properties (such as structural, functional, and spatial information, amino acid conservation, physicochemical variation, residue mobility, and thermodynamic stability) indicates that this missense variant is not expected to disrupt ATM protein function with a negative predictive value of 95%. In summary, the available evidence is currently insufficient to determine the role of this variant in disease. Therefore, it has been classified as a Variant of Uncertain Significance.

Molecular Pathology, Peter Maccallum Cancer Centre
Classification: Uncertain significance for Ataxia-telangiectasia syndrome. Last evaluated: 2025-02-17. Review status: criteria provided, single submitter. Criteria: ACMG Guidelines, 2015. Collection method: clinical testing. Allele origin: germline. Inheritance: Autosomal recessive inheritance.

Color Diagnostics, LLC DBA Color Health
Classification: Likely benign for Hereditary cancer-predisposing syndrome. Last evaluated: 2024-09-18. Review status: criteria provided, single submitter. Criteria: ACMG Guidelines, 2015. Collection method: clinical testing. Allele origin: germline.

Fulgent Genetics
Classification: Uncertain significance for Familial cancer of breast; Ataxia-telangiectasia syndrome. Last evaluated: 2024-01-17. Review status: criteria provided, single submitter. Criteria: ACMG Guidelines, 2015. Collection method: clinical testing. Allele origin: germline.

GeneDx
Classification: Uncertain significance. Last evaluated: 2023-11-30. Review status: criteria provided, single submitter. Criteria: GeneDx Variant Classification Process June 2021. Collection method: clinical testing. Allele origin: germline. Affected: yes.
Comment: In silico analysis supports that this missense variant does not alter protein structure/function; This variant is associated with the following publications: (PMID: 32566746, 36243179, 19781682, 31159747, 30287823)

Institute for Clinical Genetics, University Hospital TU Dresden, University Hospital TU Dresden
Classification: Uncertain significance. Last evaluated: 2021-11-03. Review status: criteria provided, single submitter. Criteria: ACMG Guidelines, 2015. Collection method: clinical testing. Allele origin: germline.

Genetic Services Laboratory, University of Chicago
Classification: Uncertain significance. Last evaluated: 2019-06-08. Review status: criteria provided, single submitter. Criteria: ACMG Guidelines, 2015. Collection method: clinical testing. Allele origin: germline. Affected: no.

Cancer Genomics Group, Japanese Foundation For Cancer Research
Classification: Uncertain significance for Hereditary breast and ovarian cancer syndrome. Last evaluated: 2019-05-01. Review status: criteria provided, single submitter. Criteria: ACMG Guidelines, 2015. Collection method: research. Allele origin: germline. Affected: yes.

GeneKor MSA
Classification: Uncertain significance for Hereditary cancer-predisposing syndrome. Last evaluated: 2018-08-01. Review status: criteria provided, single submitter. Criteria: ACMG Guidelines, 2015. Collection method: clinical testing. Allele origin: germline. Affected: no.

Ambry Genetics
Classification: Likely benign for Hereditary cancer-predisposing syndrome. Last evaluated: 2018-04-27. Review status: criteria provided, single submitter. Criteria: Ambry Variant Classification Scheme 2023. Collection method: clinical testing. Allele origin: germline.

Literature cited by the submitters: PubMed 30287823 (cited by Labcorp Genetics (formerly Invitae), Labcorp); PubMed 31159747 (cited by Labcorp Genetics (formerly Invitae), Labcorp).